The following is an entry in ClinVar:

NM_002529.4(NTRK1):c.1310_1313dup (p.Leu439fs)

Gene: NTRK1 (neurotrophic receptor tyrosine kinase 1; plus strand). Cytogenetic location: 1q23.1.
Variant type: Duplication.
Coding change: c.1310_1313dup on transcript NM_002529.4 (MANE Select); coding-DNA positions 1310 to 1313, 4 bases duplicated (TTGT; older notation c.1310_1313dupTTGT).
Protein change: p.Leu439fs; shifts the reading frame from leucine 439.
Molecular consequence: frameshift variant.
Genome position (GRCh38, 1-based): chr1:156,874,964-156,874,967, TTGT duplicated. VCF-style (leftmost placement, unchanged base first): chr1-156874963-C-CTTGT. GRCh37 (hg19) VCF-style: chr1-156844755-C-CTTGT.
Other names: c.1202_1205dup, p.Leu403fs (NM_001007792.1); c.1292_1295dup, p.Leu433fs (NM_001012331.2); c.1292_1295dupTTGT (NM_001012331.1); short protein forms L403fs, L433fs, L439fs.
Identifiers: ClinVar variation 578173 (VCV000578173.7), dbSNP rs1558105252, ClinGen allele CA891843315.

ClinVar aggregate classification (germline): Pathogenic. Review status: criteria provided, multiple submitters, no conflicts (2 of 4 stars). 2 submissions from 2 submitters: Pathogenic (2). Last evaluated 2025-06-02.

Conditions:
Hereditary insensitivity to pain with anhidrosis (CIPA). Also called: INSENSITIVITY TO PAIN, CONGENITAL, WITH ANHIDROSIS; NTRK1 Congenital Insensitivity to Pain with Anhidrosis; NEUROPATHY, CONGENITAL SENSORY, WITH ANHIDROSIS; FAMILIAL DYSAUTONOMIA, TYPE II; hereditary sensory and autonomic neuropathy type 4; HSAN Type IV. Identifiers: Orphanet 642, MedGen C0020074, MONDO:0009746, OMIM 256800.

Allele frequency attached by ClinVar (database versions not stated): gnomAD exomes below 0.00001; TOPMed 0.00001.

Submissions (2):

Myriad Genetics, Inc.
Classification: Pathogenic for Hereditary insensitivity to pain with anhidrosis. Last evaluated: 2025-06-02. Review status: criteria provided, single submitter. Criteria: Myriad Autosomal Dominant, Autosomal Recessive and X-Linked Classification Criteria (2023). Collection method: clinical testing. Allele origin: unknown.
Comment: NM_002529.3(NTRK1):c.1310_1313dupTTGT(L439Cfs*62) is a frameshift variant classified as pathogenic in the context of congenital insensitivity to pain with anhidrosis, NTRK1-related. L439Cfs*62 has not been observed in cases with relevant disease. Relevant functional assessments of this variant are not available in the literature. L439Cfs*62 has not been observed in referenced population frequency databases. In summary, NM_002529.3(NTRK1):c.1310_1313dupTTGT(L439Cfs*62) is a frameshift variant in a gene where loss of function is a known mechanism of disease and is predicted to disrupt protein function. Please note: this variant was assessed in the context of healthy population screening.

Labcorp Genetics (formerly Invitae), Labcorp
Classification: Pathogenic for Hereditary insensitivity to pain with anhidrosis. Last evaluated: 2023-08-09. Review status: criteria provided, single submitter. Criteria: Invitae Variant Classification Sherloc (09022015). Collection method: clinical testing. Allele origin: germline.
Comment: For these reasons, this variant has been classified as Pathogenic. ClinVar contains an entry for this variant (Variation ID: 578173). This variant has not been reported in the literature in individuals affected with NTRK1-related conditions. This variant is not present in population databases (gnomAD no frequency). This sequence change creates a premature translational stop signal (p.Leu433Cysfs*62) in the NTRK1 gene. It is expected to result in an absent or disrupted protein product. Loss-of-function variants in NTRK1 are known to be pathogenic (PMID: 10982191).

Literature cited by the submitters: PubMed 10982191 (cited by Labcorp Genetics (formerly Invitae), Labcorp).